The following is an entry in ClinVar:

ClinVar aggregate classification (germline): Uncertain significance (1 of 4 stars; one submission).

Submission:

Labcorp Genetics (formerly Invitae), Labcorp
Classification: Uncertain significance. Last evaluated: 2025-10-29. Review status: criteria provided, single submitter. Criteria: Invitae Variant Classification Sherloc (09022015). Collection method: clinical testing. Allele origin: germline.
Comment: This sequence change falls in intron 17 of the LONP1 gene. It does not directly change the encoded amino acid sequence of the LONP1 protein. This variant is not present in population databases (gnomAD no frequency). This variant has not been reported in the literature in individuals affected with LONP1-related conditions. Algorithms developed to predict the effect of sequence changes on RNA splicing suggest that this variant may disrupt the consensus splice site. In summary, the available evidence is currently insufficient to determine the role of this variant in disease. Therefore, it has been classified as a Variant of Uncertain Significance.

NM_004793.4(LONP1):c.2704-13_2704-8del

Gene: LONP1 (lon peptidase 1, mitochondrial; minus strand). Cytogenetic location: 19p13.3.
Variant type: Deletion.
Coding change: c.2704-13_2704-8del on transcript NM_004793.4 (MANE Select); 13 bases into the intron before coding-DNA position 2704 through 8 bases into the intron before coding-DNA position 2704, 6 bases deleted (ACTCTG; older notation c.2704-13_2704-8delACTCTG).
Molecular consequence: intron variant.
Genome position (GRCh38, 1-based): chr19:5,692,216-5,692,221, CAGAGT deleted on the plus strand (ACTCTG on the coding strand, the reverse complement: LONP1 is on the minus strand); deleting any 6 consecutive bases within chr19:5,692,216-5,692,224 gives the same sequence; the c. name uses the placement nearest the transcript's 3' end. VCF-style (leftmost placement, unchanged base first): chr19-5692215-GCAGAGT-G. GRCh37 (hg19) VCF-style: chr19-5692226-GCAGAGT-G.
Other names: c.2116-13_2116-8del (NM_001276480.1); c.2512-13_2512-8del (NM_001276479.2).
Identifiers: ClinVar variation 4710832 (VCV004710832.1).
Genomic context (GRCh38, chr19:5,692,215, plus strand): 5'-GTCCTTCTTGTTCTCGGCTGGCAGGACGATGCACGTCACCCCTGCGCGCTTGGCCTGGGG[GCAGAGT>G]CAGGGTCAGCCCTGCCTGGGCCTGTGGGAGGGCAGCAGGTGTGCTAACCTCCAGGAACGA-3'